The following is an entry in ClinVar:

NM_007186.6(CEP250):c.6270G>C (p.Arg2090Ser)

Gene: CEP250 (centrosomal protein 250; plus strand). Cytogenetic location: 20q11.22.
Variant type: single nucleotide variant.
Coding change: c.6270G>C on transcript NM_007186.6 (MANE Select); coding-DNA position 6270, G replaced by C.
Protein change: p.Arg2090Ser; replaces arginine 2090 with serine.
Molecular consequence: missense variant.
Genome position (GRCh38, 1-based): chr20:35,504,639, G>C. VCF-style: chr20-35504639-G-C. GRCh37 (hg19) VCF-style: chr20-34092467-G-C.
Other names: c.4374G>C, p.Arg1458Ser (NM_001318219.1); c.6270G>C (NM_007186.3); short protein forms R2090S, R1458S.
Identifiers: ClinVar variation 958633 (VCV000958633.8), dbSNP rs751323505, ClinGen allele CA9834030.

ClinVar aggregate classification (germline): Uncertain significance. Review status: criteria provided, multiple submitters, no conflicts (2 of 4 stars). 2 submissions from 2 submitters: Uncertain significance (2). Last evaluated 2025-04-21.

Allele frequency attached by ClinVar (database versions not stated): gnomAD 0.00002; TOPMed 0.00003; ExAC 0.00004; gnomAD exomes 0.00004.
gnomAD v4.1: 17 of 1,613,982 alleles (0.0011%); highest among the groups gnomAD compares: Admixed American, 0.02%; no homozygotes.

Submissions (2):

Labcorp Genetics (formerly Invitae), Labcorp
Classification: Uncertain significance. Last evaluated: 2025-04-21. Review status: criteria provided, single submitter. Criteria: Invitae Variant Classification Sherloc (09022015). Collection method: clinical testing. Allele origin: germline.
Comment: This sequence change replaces arginine, which is basic and polar, with serine, which is neutral and polar, at codon 2090 of the CEP250 protein (p.Arg2090Ser). This variant is present in population databases (rs751323505, gnomAD 0.03%). This variant has not been reported in the literature in individuals affected with CEP250-related conditions. ClinVar contains an entry for this variant (Variation ID: 958633). An algorithm developed to predict the effect of missense changes on protein structure and function (PolyPhen-2) suggests that this variant is likely to be tolerated. In summary, the available evidence is currently insufficient to determine the role of this variant in disease. Therefore, it has been classified as a Variant of Uncertain Significance.

Ambry Genetics
Classification: Uncertain significance. Last evaluated: 2025-01-22. Review status: criteria provided, single submitter. Criteria: Ambry Variant Classification Scheme 2023. Collection method: clinical testing. Allele origin: germline.